The following is an entry in ClinVar:

ClinVar aggregate classification (germline): Uncertain significance (1 of 4 stars; one submission).

Conditions:
Holoprosencephaly 4 (HPE4). Identifiers: Orphanet 2162, MedGen C1840528, MONDO:0007734, OMIM 142946.

Allele frequency attached by ClinVar (database versions not stated): gnomAD 0.00001; TOPMed 0.00002; gnomAD exomes 0.00003 and 0.00007; ExAC 0.00007.
gnomAD v4.1: 20 of 1,614,100 alleles (0.0012%); highest among the groups gnomAD compares: Admixed American, 0.033%; no homozygotes.

Submission:

Labcorp Genetics (formerly Invitae), Labcorp
Classification: Uncertain significance for Holoprosencephaly 4. Last evaluated: 2022-07-12. Review status: criteria provided, single submitter. Criteria: Invitae Variant Classification Sherloc (09022015). Collection method: clinical testing. Allele origin: germline.
Comment: This sequence change replaces isoleucine, which is neutral and non-polar, with methionine, which is neutral and non-polar, at codon 203 of the TGIF1 protein (p.Ile203Met). In summary, the available evidence is currently insufficient to determine the role of this variant in disease. Therefore, it has been classified as a Variant of Uncertain Significance. Algorithms developed to predict the effect of missense changes on protein structure and function output the following: SIFT: "Tolerated"; PolyPhen-2: "Benign"; Align-GVGD: "Class C0". The methionine amino acid residue is found in multiple mammalian species, which suggests that this missense change does not adversely affect protein function. ClinVar contains an entry for this variant (Variation ID: 1399122). This variant has not been reported in the literature in individuals affected with TGIF1-related conditions. This variant is present in population databases (rs759756166, gnomAD 0.05%), and has an allele count higher than expected for a pathogenic variant.

NM_003244.4(TGIF1):c.609A>G (p.Ile203Met)

Gene: TGIF1 (TGFB induced factor homeobox 1; plus strand). Cytogenetic location: 18p11.31.
Variant type: single nucleotide variant.
Coding change: c.609A>G on transcript NM_003244.4 (MANE Select); coding-DNA position 609, A replaced by G.
Protein change: p.Ile203Met; replaces isoleucine 203 with methionine.
Molecular consequence: missense variant.
Genome position (GRCh38, 1-based): chr18:3,457,730, A>G. VCF-style: chr18-3457730-A-G. GRCh37 (hg19) VCF-style: chr18-3457728-A-G.
Other names: c.618A>G, p.Ile206Met (NM_001278682.2); c.609A>G, p.Ile203Met (NM_001278684.2, NM_173208.3); c.549A>G, p.Ile183Met (NM_001278686.3, NM_001374396.1, NM_001374397.1 and 5 more transcripts); c.651A>G, p.Ile217Met (NM_173207.4); short protein forms I183M, I206M, I217M, I203M.
Identifiers: ClinVar variation 1399122 (VCV001399122.6), dbSNP rs759756166, ClinGen allele CA8875993.